The following is an entry in ClinVar:

NM_001145809.2(MYH14):c.1762C>T (p.Pro588Ser)

Gene: MYH14 (myosin heavy chain 14; plus strand). Cytogenetic location: 19q13.33.
Variant type: single nucleotide variant.
Coding change: c.1762C>T on transcript NM_001145809.2 (MANE Select); coding-DNA position 1762, C replaced by T.
Protein change: p.Pro588Ser; replaces proline 588 with serine.
Molecular consequence: missense variant.
Genome position (GRCh38, 1-based): chr19:50,250,620, C>T. VCF-style: chr19-50250620-C-T. GRCh37 (hg19) VCF-style: chr19-50753877-C-T.
Other names: c.1762C>T, p.Pro588Ser (NM_001077186.2); c.1738C>T, p.Pro580Ser (NM_024729.4); c.1762C>T (NM_001145809.1); short protein forms P580S, P588S.
Identifiers: ClinVar variation 3400718 (VCV003400718.2).

ClinVar aggregate classification (germline): Uncertain significance. Review status: criteria provided, multiple submitters, no conflicts (2 of 4 stars). 2 submissions from 2 submitters: Uncertain significance (2). Last evaluated 2026-06-24.

Conditions:
MYH14-related disorder. Also called: MYH14-related condition.
Inborn genetic diseases. Identifiers: MedGen C0950123, MeSH D030342.

gnomAD v4.1: 1 of 1,614,008 alleles (0.000062%); highest among the groups gnomAD compares: Admixed American, 0.0017%; no homozygotes.

Submissions (2):

PreventionGenetics, part of Exact Sciences
Classification: Uncertain significance for MYH14-related condition. Last evaluated: 2026-06-24. Review status: criteria provided, single submitter. Criteria: ACMG Guidelines, 2015. Collection method: clinical testing. Allele origin: germline.
Comment: The MYH14 c.1762C>T variant is predicted to result in the amino acid substitution p.Pro588Ser. To our knowledge, this variant has not been reported in the literature or in a large population database (gnomAD), indicating this variant is rare. At this time, the clinical significance of this variant is uncertain due to the absence of conclusive functional and genetic evidence.

Ambry Genetics
Classification: Uncertain significance for Inborn genetic diseases. Last evaluated: 2024-11-10. Review status: criteria provided, single submitter. Criteria: Ambry Variant Classification Scheme 2023. Collection method: clinical testing. Allele origin: germline.